The following is an entry in ClinVar:

ClinVar aggregate classification (germline): Pathogenic (1 of 4 stars; one submission).

Conditions:
Hereditary cancer-predisposing syndrome. Also called: Hereditary Cancer Syndrome; Hereditary neoplastic syndrome; Neoplastic Syndromes, Hereditary; Tumor predisposition. Identifiers: Orphanet 140162, MedGen C0027672, MeSH D009386, MONDO:0015356.

Submission:

Ambry Genetics
Classification: Pathogenic for Hereditary cancer-predisposing syndrome. Last evaluated: 2025-07-01. Review status: criteria provided, single submitter. Criteria: Ambry Variant Classification Scheme 2023. Collection method: clinical testing. Allele origin: germline.
Comment: The c.242_243dupAG pathogenic mutation, located in coding exon 1 of the CDKN1B gene, results from a duplication of AG at nucleotide position 242, causing a translational frameshift with a predicted alternate stop codon (p.G82Rfs*38). This variant is considered to be rare based on population cohorts in the Genome Aggregation Database (gnomAD). This alteration is expected to result in loss of function by premature protein truncation or nonsense-mediated mRNA decay. As such, this alteration is interpreted as a disease-causing mutation.

NM_004064.5(CDKN1B):c.242_243dup (p.Gly82fs)

Gene: CDKN1B (cyclin dependent kinase inhibitor 1B; plus strand). Cytogenetic location: 12p13.1.
Variant type: Duplication.
Coding change: c.242_243dup on transcript NM_004064.5 (MANE Select); coding-DNA positions 242 to 243, 2 bases duplicated (AG; older notation c.242_243dupAG).
Protein change: p.Gly82fs; shifts the reading frame from glycine 82.
Molecular consequence: frameshift variant.
Genome position (GRCh38, 1-based): chr12:12,718,081-12,718,082, AG duplicated. VCF-style (leftmost placement, unchanged base first): chr12-12718080-A-AAG. GRCh37 (hg19) VCF-style: chr12-12871014-A-AAG.
Other names: short protein forms G82fs.
Identifiers: ClinVar variation 4224740 (VCV004224740.1).